The following is an entry in ClinVar:

ClinVar aggregate classification (germline): Uncertain significance. Review status: criteria provided, multiple submitters, no conflicts (2 of 4 stars). 3 submissions from 3 submitters: Uncertain significance (3). Last evaluated 2025-07-01.

Conditions:
Developmental and epileptic encephalopathy, 1 (DEE1). Also called: INFANTILE SPASM SYNDROME, X-LINKED 1; X-linked infantile spasms; West's syndrome; Tonic spasms with clustering, arrest of psychomotor development and hypsarrhythmia on EEG; X-Linked Infantile Spasm Syndrome; OHTAHARA SYNDROME, X-LINKED. Identifiers: MedGen C3463992, MONDO:0010632, OMIM 308350. Disease mechanism: loss of function.
Autosomal recessive spinocerebellar ataxia 12. Also called: SPINOCEREBELLAR ATAXIA WITH MENTAL RETARDATION AND EPILEPSY. Identifiers: Orphanet 284282, MedGen C3280452, MONDO:0013687, OMIM 614322.

Allele frequency attached by ClinVar (database versions not stated): gnomAD 0.00001.
gnomAD v4.1: 1 of 1,614,074 alleles (0.000062%); highest among the groups gnomAD compares: African/African-American, 0.0013%; no homozygotes.

Submissions (3):

Women's Health and Genetics/Laboratory Corporation of America, LabCorp
Classification: Uncertain significance. Last evaluated: 2025-07-01. Review status: criteria provided, single submitter. Criteria: LabCorp Variant Classification Summary - May 2015. Collection method: clinical testing. Allele origin: germline.
Comment: Variant summary: WWOX c.647T>C (p.Leu216Pro) results in a non-conservative amino acid change in the encoded protein sequence. Algorithms developed to predict the effect of missense changes on protein structure and function are either unavailable or do not agree on the potential impact of this missense change. The variant was absent in 249424 control chromosomes. The available data on variant occurrences in the general population are insufficient to allow any conclusion about variant significance. To our knowledge, no occurrence of c.647T>C in individuals affected with Early Infantile Epileptic Encephalopathy, Autosomal Recessive and no experimental evidence demonstrating its impact on protein function have been reported. ClinVar contains an entry for this variant (Variation ID: 939324). Based on the evidence outlined above, the variant was classified as uncertain significance.

Labcorp Genetics (formerly Invitae), Labcorp
Classification: Uncertain significance for Developmental and epileptic encephalopathy, 1; Autosomal recessive spinocerebellar ataxia 12. Last evaluated: 2022-10-24. Review status: criteria provided, single submitter. Criteria: Invitae Variant Classification Sherloc (09022015). Collection method: clinical testing. Allele origin: germline.
Comment: This sequence change replaces leucine, which is neutral and non-polar, with proline, which is neutral and non-polar, at codon 216 of the WWOX protein (p.Leu216Pro). This variant is present in population databases (no rsID available, gnomAD 0.01%). This variant has not been reported in the literature in individuals affected with WWOX-related conditions. ClinVar contains an entry for this variant (Variation ID: 939324). Advanced modeling of protein sequence and biophysical properties (such as structural, functional, and spatial information, amino acid conservation, physicochemical variation, residue mobility, and thermodynamic stability) performed at Invitae indicates that this missense variant is not expected to disrupt WWOX protein function. In summary, the available evidence is currently insufficient to determine the role of this variant in disease. Therefore, it has been classified as a Variant of Uncertain Significance.

GeneDx
Classification: Uncertain significance. Last evaluated: 2022-07-28. Review status: criteria provided, single submitter. Criteria: GeneDx Variant Classification Process June 2021. Collection method: clinical testing. Allele origin: germline. Affected: yes.
Comment: Not observed at significant frequency in large population cohorts (gnomAD); In silico analysis supports that this missense variant has a deleterious effect on protein structure/function; Has not been previously published as pathogenic or benign to our knowledge; This variant is associated with the following publications: (PMID: 25411445)

NM_016373.4(WWOX):c.647T>C (p.Leu216Pro)

Gene: WWOX (WW domain containing oxidoreductase; plus strand). Cytogenetic location: 16q23.1.
Variant type: single nucleotide variant.
Coding change: c.647T>C on transcript NM_016373.4 (MANE Select); coding-DNA position 647, T replaced by C.
Protein change: p.Leu216Pro; replaces leucine 216 with proline.
Molecular consequence: missense variant.
Genome position (GRCh38, 1-based): chr16:78,424,911, T>C. VCF-style: chr16-78424911-T-C. GRCh37 (hg19) VCF-style: chr16-78458808-T-C.
Other names: c.308T>C, p.Leu103Pro (NM_001291997.2); short protein forms L103P, L216P.
Identifiers: ClinVar variation 939324 (VCV000939324.8), dbSNP rs1385370021, ClinGen allele CA396842741.